The following is an entry in ClinVar:

ClinVar aggregate classification (germline): Uncertain significance (1 of 4 stars; one submission).

Conditions:
Hereditary cancer-predisposing syndrome. Also called: Hereditary Cancer Syndrome; Hereditary neoplastic syndrome; Neoplastic Syndromes, Hereditary; Tumor predisposition. Identifiers: Orphanet 140162, MedGen C0027672, MeSH D009386, MONDO:0015356.

Submission:

Ambry Genetics
Classification: Uncertain significance for Hereditary cancer-predisposing syndrome. Last evaluated: 2021-08-02. Review status: criteria provided, single submitter. Criteria: Ambry Variant Classification Scheme 2023. Collection method: clinical testing. Allele origin: germline.
Comment: The p.R201G variant (also known as c.601A>G), located in coding exon 1 of the AXIN2 gene, results from an A to G substitution at nucleotide position 601. The arginine at codon 201 is replaced by glycine, an amino acid with dissimilar properties. This amino acid position is conserved. In addition, this alteration is predicted to be tolerated by in silico analysis. Since supporting evidence is limited at this time, the clinical significance of this alteration remains unclear.

NM_004655.4(AXIN2):c.601A>G (p.Arg201Gly)

Gene: AXIN2 (axin 2; minus strand). Cytogenetic location: 17q24.1.
Variant type: single nucleotide variant.
Coding change: c.601A>G on transcript NM_004655.4 (MANE Select); coding-DNA position 601, A replaced by G.
Protein change: p.Arg201Gly; replaces arginine 201 with glycine.
Molecular consequence: missense variant.
Genome position (GRCh38, 1-based): chr17:65,558,020, T>C on the plus strand (A>G on the coding strand, the complement: AXIN2 is on the minus strand). VCF-style: chr17-65558020-T-C. GRCh37 (hg19) VCF-style: chr17-63554138-T-C.
Other names: c.601A>G, p.Arg201Gly (NM_001363813.1); short protein forms R201G.
Identifiers: ClinVar variation 1751108 (VCV001751108.2), dbSNP rs2544249076, ClinGen allele CA400680721.